The following is an entry in ClinVar:

NM_015221.4(DNMBP):c.83T>C (p.Ile28Thr)

Gene: DNMBP (dynamin binding protein; minus strand). Cytogenetic location: 10q24.2.
Variant type: single nucleotide variant.
Coding change: c.83T>C on transcript NM_015221.4 (MANE Select); coding-DNA position 83, T replaced by C.
Protein change: p.Ile28Thr; replaces isoleucine 28 with threonine.
Molecular consequence: missense variant.
Genome position (GRCh38, 1-based): chr10:99,972,042, A>G on the plus strand (T>C on the coding strand, the complement: DNMBP is on the minus strand). VCF-style: chr10-99972042-A-G. GRCh37 (hg19) VCF-style: chr10-101731799-A-G.
Other names: c.83T>C (NM_015221.2); short protein forms I28T.
Identifiers: ClinVar variation 2640756 (VCV002640756.25), dbSNP rs369221824, ClinGen allele CA5645470.

ClinVar aggregate classification (germline): Conflicting classifications of pathogenicity. Review status: criteria provided, conflicting classifications (1 of 4 stars). 2 submissions from 2 submitters: Uncertain significance (1); Likely benign (1). Last evaluated 2025-08-21.

Allele frequency attached by ClinVar (database versions not stated): ExAC 0.00005; ESP Exome Variant Server 0.00008; TOPMed 0.00020; gnomAD 0.00025; 1000 Genomes Project 0.00060; 1000 Genomes Project 30x 0.00062.
gnomAD v4.1: 69 of 1,613,852 alleles (0.0043%); highest among the groups gnomAD compares: African/African-American, 0.083%; no homozygotes.

Submissions (2):

Ambry Genetics
Classification: Uncertain significance. Last evaluated: 2025-08-21. Review status: criteria provided, single submitter. Criteria: Ambry Variant Classification Scheme 2023. Collection method: clinical testing. Allele origin: germline.

CeGaT Center for Human Genetics Tuebingen
Classification: Likely benign. Last evaluated: 2022-06-01. Review status: criteria provided, single submitter. Criteria: CeGaT Center For Human Genetics Tuebingen Variant Classification Criteria Version 2. Collection method: clinical testing. Allele origin: germline. Affected: yes. Observed: 1 variant allele.
Comment: DNMBP: BP4